The following is an entry in ClinVar:

ClinVar aggregate classification (germline): Uncertain significance (1 of 4 stars; one submission).

Conditions:
Cardiovascular phenotype. Identifiers: MedGen CN230736.

Submission:

Ambry Genetics
Classification: Uncertain significance for Cardiovascular phenotype. Last evaluated: 2020-03-03. Review status: criteria provided, single submitter. Criteria: Ambry Variant Classification Scheme 2023. Collection method: clinical testing. Allele origin: germline.
Comment: The p.G625R variant (also known as c.1873G>A), located in coding exon 10 of the JUP gene, results from a G to A substitution at nucleotide position 1873. The glycine at codon 625 is replaced by arginine, an amino acid with dissimilar properties. This amino acid position is highly conserved in available vertebrate species. In addition, this alteration is predicted to be deleterious by in silico analysis. Since supporting evidence is limited at this time, the clinical significance of this alteration remains unclear.

NM_002230.4(JUP):c.1873G>A (p.Gly625Arg)

Gene: JUP (junction plakoglobin; minus strand). Cytogenetic location: 17q21.2.
Variant type: single nucleotide variant.
Coding change: c.1873G>A on transcript NM_002230.4 (MANE Select); coding-DNA position 1873, G replaced by A.
Protein change: p.Gly625Arg; replaces glycine 625 with arginine.
Molecular consequence: missense variant.
Genome position (GRCh38, 1-based): chr17:41,757,685, C>T on the plus strand (G>A on the coding strand, the complement: JUP is on the minus strand). VCF-style: chr17-41757685-C-T. GRCh37 (hg19) VCF-style: chr17-39913937-C-T.
Other names: c.1873G>A, p.Gly625Arg (NM_001352773.2, NM_001352774.2, NM_001352775.2 and 3 more transcripts); short protein forms G625R.
Identifiers: ClinVar variation 1781732 (VCV001781732.2), dbSNP rs1060502678, ClinGen allele CA399492282.